The following is an entry in ClinVar:

NM_000188.3(HK1):c.2165G>A (p.Arg722Lys)

Gene: HK1 (hexokinase 1; plus strand). Cytogenetic location: 10q22.1.
Variant type: single nucleotide variant.
Coding change: c.2165G>A on transcript NM_000188.3 (MANE Select); coding-DNA position 2165, G replaced by A.
Protein change: p.Arg722Lys; replaces arginine 722 with lysine.
Molecular consequence: missense variant.
Genome position (GRCh38, 1-based): chr10:69,392,254, G>A. VCF-style: chr10-69392254-G-A. GRCh37 (hg19) VCF-style: chr10-71152010-G-A.
Other names: c.2177G>A, p.Arg726Lys (NM_001322364.2, NM_001358263.1, NM_033497.3 and 1 more transcripts); c.2270G>A, p.Arg757Lys (NM_001322365.2); c.2081G>A, p.Arg694Lys (NM_001322366.1); c.2069G>A, p.Arg690Lys (NM_001322367.1); c.2162G>A, p.Arg721Lys (NM_033496.3); c.2129G>A, p.Arg710Lys (NM_033500.2); short protein forms R721K, R726K, R694K, R757K, R690K, R710K, R722K.
Identifiers: ClinVar variation 1030655 (VCV001030655.8), dbSNP rs1172702857, ClinGen allele CA376914820.

ClinVar aggregate classification (germline): Uncertain significance. Review status: criteria provided, multiple submitters, no conflicts (2 of 4 stars). 2 submissions from 2 submitters: Uncertain significance (2). Last evaluated 2025-12-30.

Conditions:
Hemolytic anemia due to hexokinase deficiency (CNSHA5). Also called: HEMOLYTIC ANEMIA, NONSPHEROCYTIC, DUE TO HEXOKINASE DEFICIENCY; Hexokinase deficiency hemolytic anemia; ANEMIA, CONGENITAL, NONSPHEROCYTIC HEMOLYTIC, 5; Non-spherocytic hemolytic anemia due to hexokinase deficiency. Identifiers: Orphanet 90031, MedGen C3150343, MONDO:0009340, OMIM 235700.

Allele frequency attached by ClinVar (database versions not stated): gnomAD exomes below 0.00001; gnomAD 0.00001; TOPMed 0.00001.
gnomAD v4.1: 2 of 1,614,070 alleles (0.00012%); highest among the groups gnomAD compares: African/African-American, 0.0013%; no homozygotes.

Submissions (2):

Labcorp Genetics (formerly Invitae), Labcorp
Classification: Uncertain significance. Last evaluated: 2025-12-30. Review status: criteria provided, single submitter. Criteria: Invitae Variant Classification Sherloc (09022015). Collection method: clinical testing. Allele origin: germline.
Comment: This sequence change replaces arginine, which is basic and polar, with lysine, which is basic and polar, at codon 722 of the HK1 protein (p.Arg722Lys). This variant is not present in population databases (gnomAD no frequency). This variant has not been reported in the literature in individuals affected with HK1-related conditions. ClinVar contains an entry for this variant (Variation ID: 1030655). Invitae Evidence Modeling of protein sequence and biophysical properties (such as structural, functional, and spatial information, amino acid conservation, physicochemical variation, residue mobility, and thermodynamic stability) indicates that this missense variant is not expected to disrupt HK1 protein function with a negative predictive value of 80%. In summary, the available evidence is currently insufficient to determine the role of this variant in disease. Therefore, it has been classified as a Variant of Uncertain Significance.

Baylor Genetics
Classification: Uncertain significance for Hemolytic anemia due to hexokinase deficiency. Last evaluated: 2020-07-29. Review status: criteria provided, single submitter. Criteria: ACMG Guidelines, 2015. Collection method: clinical testing. Allele origin: unknown. Affected: yes.
Comment: This variant was determined to be of uncertain significance according to ACMG Guidelines, 2015 [PMID:25741868].